The following is an entry in ClinVar:

ClinVar aggregate classification (germline): Uncertain significance (1 of 4 stars; one submission).

Conditions:
PRPH2-related disorder. Also called: PRPH2-related disorders; PRPH2-related condition. Identifiers: MedGen CN239395.

gnomAD v4.1: 1 of 1,614,182 alleles (0.000062%); no homozygotes.

Submission:

Labcorp Genetics (formerly Invitae), Labcorp
Classification: Uncertain significance for PRPH2-related disorder. Last evaluated: 2025-08-12. Review status: criteria provided, single submitter. Criteria: Invitae Variant Classification Sherloc (09022015). Collection method: clinical testing. Allele origin: germline.
Comment: This sequence change replaces asparagine, which is neutral and polar, with lysine, which is basic and polar, at codon 295 of the PRPH2 protein (p.Asn295Lys). This variant is not present in population databases (gnomAD no frequency). This variant has not been reported in the literature in individuals affected with PRPH2-related conditions. Invitae Evidence Modeling of protein sequence and biophysical properties (such as structural, functional, and spatial information, amino acid conservation, physicochemical variation, residue mobility, and thermodynamic stability) indicates that this missense variant is not expected to disrupt PRPH2 protein function with a negative predictive value of 95%. In summary, the available evidence is currently insufficient to determine the role of this variant in disease. Therefore, it has been classified as a Variant of Uncertain Significance.

NM_000322.5(PRPH2):c.885C>A (p.Asn295Lys)

Gene: PRPH2 (peripherin 2; minus strand). Cytogenetic location: 6p21.1.
Variant type: single nucleotide variant.
Coding change: c.885C>A on transcript NM_000322.5 (MANE Select); coding-DNA position 885, C replaced by A.
Protein change: p.Asn295Lys; replaces asparagine 295 with lysine.
Molecular consequence: missense variant.
Genome position (GRCh38, 1-based): chr6:42,698,451, G>T on the plus strand (C>A on the coding strand, the complement: PRPH2 is on the minus strand). VCF-style: chr6-42698451-G-T. GRCh37 (hg19) VCF-style: chr6-42666189-G-T.
Other names: short protein forms N295K.
Identifiers: ClinVar variation 4766604 (VCV004766604.1).